The following is an entry in ClinVar:

NM_001365088.1(SLC12A6):c.1728CTT[1] (p.Phe578del)

Gene: SLC12A6 (solute carrier family 12 member 6; minus strand). Cytogenetic location: 15q14.
Variant type: Microsatellite.
Coding change: c.1728CTT[1] on transcript NM_001365088.1 (MANE Select); one copy of the 3-base unit CTT starting at c.1728; the reference has two copies in a row; one copy, 3 bases deleted; also written c.1731_1733del.
Protein change: p.Phe578del; deletes phenylalanine 578.
Molecular consequence: inframe deletion.
Genome position (GRCh38, 1-based): chr15:34,245,784-34,245,786, AAG deleted on the plus strand (CTT on the coding strand, the reverse complement: SLC12A6 is on the minus strand); deleting any 3 consecutive bases within chr15:34,245,784-34,245,789 gives the same sequence; the position shown is the placement nearest the transcript's 3' end. VCF-style (leftmost placement, unchanged base first): chr15-34245783-AAAG-A. GRCh37 (hg19) VCF-style: chr15-34537984-AAAG-A.
Other names: c.1731_1733del (NM_133647.2, NM_001365088.1); c.1551CTT[1], p.Phe519del (NM_001042494.2, NM_001042495.2); c.1701CTT[1], p.Phe569del (NM_001042496.2); c.1683CTT[1], p.Phe563del (NM_001042497.2); c.1575CTT[1], p.Phe527del (NM_005135.2); c.1728CTT[1], p.Phe578del (NM_133647.2); short protein forms F519del, F527del, F563del, F569del, F578del.
Identifiers: ClinVar variation 1708539 (VCV001708539.7), dbSNP rs2509782899, ClinGen allele CA2580613788.
Genomic context (GRCh38, chr15:34,245,783, plus strand): 5'-AATAGCTTGTAGCAGCCTCGGTGCACCTGTGAGGCTCTGAAGTCCAGCCCCACATGTTGA[AAAG>A]AAGGAGCCAATAACAATCACCCATGGGGATGGCCAAGATAAGGTGCCTACCACCAAATTA-3'

ClinVar aggregate classification (germline): Conflicting classifications of pathogenicity. Review status: criteria provided, conflicting classifications (1 of 4 stars). 3 submissions from 3 submitters: Likely pathogenic (1); Uncertain significance (1). 1 of the submissions does not count toward it. Last evaluated 2025-01-03.

Conditions:
Charcot-Marie-Tooth disease, axonal, IIa 2II. Also called: CHARCOT-MARIE-TOOTH NEUROPATHY, TYPE 2II; Charcot-Marie-Tooth disease, axonal, type 2II; Charcot-marie-tooth disease, axonal,IIa 2II. Identifiers: MedGen C5774227, MONDO:0031068, OMIM 620068.

Submissions (3):

3billion
Classification: Likely pathogenic for Charcot-Marie-Tooth disease, axonal, IIa 2II. Last evaluated: 2025-01-03. Review status: criteria provided, single submitter. Criteria: ACMG Guidelines, 2015. Collection method: clinical testing. Allele origin: germline. Affected: yes.
Comment: The variant is not observed in the gnomAD v4.1.0 dataset. Predicted Consequence/Location: Inframe deletion located in a nonrepeat region: predicted to change the length of the protein and disrupt normal protein function. The variant has been observed in at least two similarly affected unrelated individuals (PMID: 35733399). The variant has been reported to be associated with SLC12A6-related disorder (ClinVar ID: VCV001708539 /PMID: 35733399). Therefore, this variant is classified as Likely pathogenic according to the recommendation of ACMG/AMP guideline.

Labcorp Genetics (formerly Invitae), Labcorp
Classification: Uncertain significance. Last evaluated: 2024-09-02. Review status: criteria provided, single submitter. Criteria: Invitae Variant Classification Sherloc (09022015). Collection method: clinical testing. Allele origin: germline.
Comment: This variant, c.1731_1733del, results in the deletion of 1 amino acid(s) of the SLC12A6 protein (p.Phe578del), but otherwise preserves the integrity of the reading frame. This variant is not present in population databases (gnomAD no frequency). This variant has been observed in individual(s) with Charcot-Marie-Tooth disease (PMID: 35733399). Experimental studies and prediction algorithms are not available or were not evaluated, and the functional significance of this variant is currently unknown. In summary, the available evidence is currently insufficient to determine the role of this variant in disease. Therefore, it has been classified as a Variant of Uncertain Significance.

OMIM
Classification: Pathogenic for CHARCOT-MARIE-TOOTH DISEASE, AXONAL, TYPE 2II. Last evaluated: 2022-10-07. Review status: no assertion criteria provided. Collection method: literature only. Allele origin: germline. Not counted in ClinVar's aggregate classification.

Literature cited by the submitters: PubMed 35733399 (cited by 3 submitters).